The following is an entry in ClinVar:

NM_004974.4(KCNA2):c.730T>C (p.Cys244Arg)

Gene: KCNA2 (potassium voltage-gated channel subfamily A member 2; minus strand). Cytogenetic location: 1p13.3.
Variant type: single nucleotide variant.
Coding change: c.730T>C on transcript NM_004974.4 (MANE Select); coding-DNA position 730, T replaced by C.
Protein change: p.Cys244Arg; replaces cysteine 244 with arginine.
Molecular consequence: missense variant.
Genome position (GRCh38, 1-based): chr1:110,604,053, A>G on the plus strand (T>C on the coding strand, the complement: KCNA2 is on the minus strand). VCF-style: chr1-110604053-A-G. GRCh37 (hg19) VCF-style: chr1-111146675-A-G.
Other names: c.730T>C, p.Cys244Arg (NM_001204269.2); short protein forms C244R.
Identifiers: ClinVar variation 2091004 (VCV002091004.4), dbSNP rs2524619322, ClinGen allele CA341603331.
Genomic context (GRCh38, chr1:110,604,053, plus strand): 5'-TGATGGCCACAATGTCAATGATGTTCATGATGTTGGTGAAGAAGCCGGCTTTGCTGGGAC[A>G]GGCAAAGAACCTCACCAAGAATTCAAAGGAGAACCAGATGATGCAGAGTGTCTCTACAAT-3'
Protein context (NP_004965.1, residues 234-254): SFEFLVRFFA[Cys244Arg]PSKAGFFTNI

ClinVar aggregate classification (germline): Pathogenic (1 of 4 stars; one submission).

Conditions:
Developmental and epileptic encephalopathy, 32 (DEE32). Also called: Epileptic encephalopathy, early infantile, 32. Identifiers: Orphanet 442835, MedGen C4225350, MONDO:0014607, OMIM 616366.

Submission:

Labcorp Genetics (formerly Invitae), Labcorp
Classification: Pathogenic for Developmental and epileptic encephalopathy, 32. Last evaluated: 2022-08-02. Review status: criteria provided, single submitter. Criteria: Invitae Variant Classification Sherloc (09022015). Collection method: clinical testing. Allele origin: germline.
Comment: For these reasons, this variant has been classified as Pathogenic. Advanced modeling of protein sequence and biophysical properties (such as structural, functional, and spatial information, amino acid conservation, physicochemical variation, residue mobility, and thermodynamic stability) performed at Invitae indicates that this missense variant is expected to disrupt KCNA2 protein function. This missense change has been observed in individual(s) with clinical features of autosomal dominant KCNA2-related conditions (Invitae). In at least one individual the variant was observed to be de novo. This variant is not present in population databases (gnomAD no frequency). This sequence change replaces cysteine, which is neutral and slightly polar, with arginine, which is basic and polar, at codon 244 of the KCNA2 protein (p.Cys244Arg).